The following is an entry in ClinVar:

NM_012388.4(BLOC1S6):c.82+17G>A

Gene: BLOC1S6 (biogenesis of lysosomal organelles complex 1 subunit 6; plus strand). Cytogenetic location: 15q21.1.
Variant type: single nucleotide variant.
Coding change: c.82+17G>A on transcript NM_012388.4 (MANE Select); 17 bases into the intron after coding-DNA position 82, G replaced by A.
Molecular consequence: intron variant.
Genome position (GRCh38, 1-based): chr15:45,587,542, G>A. VCF-style: chr15-45587542-G-A. GRCh37 (hg19) VCF-style: chr15-45879740-G-A.
Identifiers: ClinVar variation 2055324 (VCV002055324.4), dbSNP rs2542261963, ClinGen allele CA2580089508.

ClinVar aggregate classification (germline): Uncertain significance (1 of 4 stars; one submission).

Conditions:
Hermansky-Pudlak syndrome 9 (HPS9). Identifiers: Orphanet 280663, Orphanet 79430, MedGen C3280026, MONDO:0013606, OMIM 614171.

Submission:

Labcorp Genetics (formerly Invitae), Labcorp
Classification: Uncertain significance for Hermansky-Pudlak syndrome 9. Last evaluated: 2022-12-06. Review status: criteria provided, single submitter. Criteria: Invitae Variant Classification Sherloc (09022015). Collection method: clinical testing. Allele origin: germline.
Comment: In summary, the available evidence is currently insufficient to determine the role of this variant in disease. Therefore, it has been classified as a Variant of Uncertain Significance. Algorithms developed to predict the effect of sequence changes on RNA splicing suggest that this variant may create or strengthen a splice site. This variant has not been reported in the literature in individuals affected with BLOC1S6-related conditions. This variant is not present in population databases (gnomAD no frequency). This sequence change falls in intron 1 of the BLOC1S6 gene. It does not directly change the encoded amino acid sequence of the BLOC1S6 protein.